The following is an entry in ClinVar:

NM_033131.4(WNT3A):c.286G>T (p.Ala96Ser)

Gene: WNT3A (Wnt family member 3A; plus strand). Cytogenetic location: 1q42.13.
Variant type: single nucleotide variant.
Coding change: c.286G>T on transcript NM_033131.4 (MANE Select); coding-DNA position 286, G replaced by T.
Protein change: p.Ala96Ser; replaces alanine 96 with serine.
Molecular consequence: missense variant.
Genome position (GRCh38, 1-based): chr1:228,022,881, G>T. VCF-style: chr1-228022881-G-T. GRCh37 (hg19) VCF-style: chr1-228210582-G-T.
Other names: short protein forms A96S.
Identifiers: ClinVar variation 3609310 (VCV003609310.2).

ClinVar aggregate classification (germline): Uncertain significance (1 of 4 stars; one submission).

gnomAD v4.1: 3 of 1,611,892 alleles (0.00019%); highest among the groups gnomAD compares: Non-Finnish European, 0.00025%; no homozygotes.

Submission:

Labcorp Genetics (formerly Invitae), Labcorp
Classification: Uncertain significance. Last evaluated: 2024-11-18. Review status: criteria provided, single submitter. Criteria: Invitae Variant Classification Sherloc (09022015). Collection method: clinical testing. Allele origin: germline.
Comment: This sequence change replaces alanine, which is neutral and non-polar, with serine, which is neutral and polar, at codon 96 of the WNT3A protein (p.Ala96Ser). This variant is present in population databases (rs371944998, gnomAD 0.003%). This variant has not been reported in the literature in individuals affected with WNT3A-related conditions. Invitae Evidence Modeling of protein sequence and biophysical properties (such as structural, functional, and spatial information, amino acid conservation, physicochemical variation, residue mobility, and thermodynamic stability) indicates that this missense variant is not expected to disrupt WNT3A protein function with a negative predictive value of 80%. In summary, the available evidence is currently insufficient to determine the role of this variant in disease. Therefore, it has been classified as a Variant of Uncertain Significance.